The following is an entry in ClinVar:

NM_019066.5(MAGEL2):c.2398T>C (p.Ser800Pro)

Gene: MAGEL2 (MAGE family member L2; minus strand). Cytogenetic location: 15q11.2.
Variant type: single nucleotide variant.
Coding change: c.2398T>C on transcript NM_019066.5 (MANE Select); coding-DNA position 2398, T replaced by C.
Protein change: p.Ser800Pro; replaces serine 800 with proline.
Molecular consequence: missense variant.
Genome position (GRCh38, 1-based): chr15:23,645,345, A>G on the plus strand (T>C on the coding strand, the complement: MAGEL2 is on the minus strand). VCF-style: chr15-23645345-A-G. GRCh37 (hg19) VCF-style: chr15-23890492-A-G.
Other names: short protein forms S800P.
Identifiers: ClinVar variation 4686399 (VCV004686399.1).

ClinVar aggregate classification (germline): Uncertain significance (1 of 4 stars; one submission).

Submission:

GeneDx
Classification: Uncertain significance. Last evaluated: 2025-07-18. Review status: criteria provided, single submitter. Criteria: GeneDx Variant Classification Process June 2021. Collection method: clinical testing. Allele origin: germline. Affected: yes.
Comment: Not observed at significant frequency in large population cohorts (gnomAD); In-silico analysis is inconclusive as to whether the variant impacts protein structure/function. In the absence of functional studies, the actual effect of this sequence change is unknown; Has not been previously published as pathogenic or benign to our knowledge